The following is an entry in ClinVar:

NM_024675.4(PALB2):c.1881del (p.Lys628fs)

Gene: PALB2 (partner and localizer of BRCA2; minus strand). Cytogenetic location: 16p12.2.
Variant type: Deletion.
Coding change: c.1881del on transcript NM_024675.4 (MANE Select); coding-DNA position 1881, one base deleted (G; older notation c.1881delG).
Protein change: p.Lys628fs; shifts the reading frame from lysine 628.
Molecular consequence: frameshift variant.
Genome position (GRCh38, 1-based): chr16:23,630,273, C deleted on the plus strand (G on the coding strand, the reverse complement: PALB2 is on the minus strand). VCF-style (leftmost placement, unchanged base first): chr16-23630272-TC-T. GRCh37 (hg19) VCF-style: chr16-23641593-TC-T.
Other names: c.1821delG, p.Lys608Serfs (NM_001407296.1); c.1881delG, p.Lys628Serfs (NM_001407297.1, NM_001407298.1, NM_001407299.1 and 3 more transcripts); c.996delG, p.Lys333Serfs (NM_001407304.1, NM_001407305.1, NM_001407306.1 and 5 more transcripts); c.93delG, p.Lys32Serfs (NM_001407312.1, NM_001407313.1); short protein forms K628fs.
Identifiers: ClinVar variation 2022069 (VCV002022069.5), dbSNP rs2506432628, ClinGen allele CA2580091384.

ClinVar aggregate classification (germline): Pathogenic. Review status: criteria provided, multiple submitters, no conflicts (2 of 4 stars). 2 submissions from 2 submitters: Pathogenic (2). Last evaluated 2026-09-29.

Conditions:
Familial cancer of breast. Also called: BREAST CANCER, FAMILIAL; Hereditary breast cancer; hereditary breast carcinoma. Identifiers: Orphanet 227535, MedGen C0346153, MONDO:0016419, OMIM 114480. Disease mechanism: loss of function.

Submissions (2):

Myriad Genetics, Inc.
Classification: Pathogenic for Familial cancer of breast. Last evaluated: 2026-09-29. Review status: criteria provided, single submitter. Criteria: Myriad Autosomal Dominant, Autosomal Recessive and X-Linked Classification Criteria (2023). Collection method: clinical testing. Allele origin: unknown.
Comment: This variant is considered pathogenic. This variant creates a frameshift predicted to result in premature protein truncation.

Labcorp Genetics (formerly Invitae), Labcorp
Classification: Pathogenic for Familial cancer of breast. Last evaluated: 2022-08-08. Review status: criteria provided, single submitter. Criteria: Invitae Variant Classification Sherloc (09022015). Collection method: clinical testing. Allele origin: germline.
Comment: RNA analysis performed to evaluate the impact of this premature translational stop signal on mRNA splicing indicates it does not significantly alter splicing (Invitae). This variant has not been reported in the literature in individuals affected with PALB2-related conditions. This variant is not present in population databases (gnomAD no frequency). This sequence change creates a premature translational stop signal (p.Lys628Serfs*32) in the PALB2 gene. It is expected to result in an absent or disrupted protein product. Loss-of-function variants in PALB2 are known to be pathogenic (PMID: 17200668, 17200671, 17200672, 24136930, 25099575). For these reasons, this variant has been classified as Pathogenic.

Literature cited by the submitters: PubMed 17200668 (cited by Labcorp Genetics (formerly Invitae), Labcorp); PubMed 17200671 (cited by Labcorp Genetics (formerly Invitae), Labcorp); PubMed 17200672 (cited by Labcorp Genetics (formerly Invitae), Labcorp); PubMed 24136930 (cited by Labcorp Genetics (formerly Invitae), Labcorp); PubMed 25099575 (cited by Labcorp Genetics (formerly Invitae), Labcorp).